The following is an entry in ClinVar:

ClinVar aggregate classification (germline): Uncertain significance (1 of 4 stars; one submission).

Conditions:
Desmin-related myofibrillar myopathy (MFM1). Also called: Desminopathy; Desmin related myopathy (former name); Desmin storage myopathy (former name); MYOFIBRILLAR MYOPATHY WITH ARRHYTHMOGENIC RIGHT VENTRICULAR CARDIOMYOPATHY; DESMIN-RELATED MYOPATHY WITH ARRHYTHMOGENIC RIGHT VENTRICULAR CARDIOMYOPATHY; Myofibrillar myopathy 1. Identifiers: Orphanet 363543, Orphanet 98909, MedGen C1832370, MONDO:0011076, OMIM 601419.

Allele frequency attached by ClinVar (database versions not stated): ExAC 0.00003.
gnomAD v4.1: 2 of 1,573,722 alleles (0.00013%); highest among the groups gnomAD compares: Non-Finnish European, 0.00017%; no homozygotes.

Submission:

Labcorp Genetics (formerly Invitae), Labcorp
Classification: Uncertain significance for Desmin-related myofibrillar myopathy. Last evaluated: 2024-10-28. Review status: criteria provided, single submitter. Criteria: Invitae Variant Classification Sherloc (09022015). Collection method: clinical testing. Allele origin: germline.
Comment: This sequence change replaces glycine, which is neutral and non-polar, with glutamic acid, which is acidic and polar, at codon 75 of the DES protein (p.Gly75Glu). The frequency data for this variant in the population databases is considered unreliable, as metrics indicate poor data quality at this position in the gnomAD database. This variant has not been reported in the literature in individuals affected with DES-related conditions. ClinVar contains an entry for this variant (Variation ID: 2181099). Invitae Evidence Modeling of protein sequence and biophysical properties (such as structural, functional, and spatial information, amino acid conservation, physicochemical variation, residue mobility, and thermodynamic stability) has been performed for this missense variant. However, the output from this modeling did not meet the statistical confidence thresholds required to predict the impact of this variant on DES protein function. In summary, the available evidence is currently insufficient to determine the role of this variant in disease. Therefore, it has been classified as a Variant of Uncertain Significance.

NM_001927.4(DES):c.224G>A (p.Gly75Glu)

Gene: DES (desmin; plus strand). Cytogenetic location: 2q35.
Variant type: single nucleotide variant.
Coding change: c.224G>A on transcript NM_001927.4 (MANE Select); coding-DNA position 224, G replaced by A.
Protein change: p.Gly75Glu; replaces glycine 75 with glutamic acid.
Molecular consequence: missense variant.
Genome position (GRCh38, 1-based): chr2:219,418,686, G>A. VCF-style: chr2-219418686-G-A. GRCh37 (hg19) VCF-style: chr2-220283408-G-A.
Other names: c.224G>A, p.Gly75Glu (NM_001382708.1, NM_001382709.1, NM_001382710.1 and 3 more transcripts); short protein forms G75E.
Identifiers: ClinVar variation 2181099 (VCV002181099.4), dbSNP rs758281008, ClinGen allele CA2125039.